The following is an entry in ClinVar:

ClinVar aggregate classification (germline): Pathogenic/Likely pathogenic. Review status: criteria provided, multiple submitters, no conflicts (2 of 4 stars). 2 submissions from 2 submitters: Pathogenic (1); Likely pathogenic (1). Last evaluated 2020-08-24.

Conditions:
Inborn genetic diseases. Identifiers: MedGen C0950123, MeSH D030342.
Brain-lung-thyroid syndrome. Also called: CHOREOATHETOSIS AND CONGENITAL HYPOTHYROIDISM WITH PULMONARY DYSFUNCTION; Choreoathetosis, Congenital Hypothyroidism, and Neonatal Respiratory Distress Syndrome (Brain-Lung-Thyroid Syndrome); Choreoathetosis, congenital hypothyroidism, and neonatal respiratory distress. Identifiers: Orphanet 209905, MedGen C1970269, MONDO:0012593, OMIM 610978.

Submissions (2):

Baylor Genetics
Classification: Pathogenic for Brain-lung-thyroid syndrome. Last evaluated: 2020-08-24. Review status: criteria provided, single submitter. Criteria: ACMG Guidelines, 2015. Collection method: clinical testing. Allele origin: unknown. Affected: yes.
Comment: This variant was determined to be pathogenic according to ACMG Guidelines, 2015 [PMID:25741868].

Ambry Genetics
Classification: Likely pathogenic for Inborn genetic diseases. Last evaluated: 2018-07-19. Review status: criteria provided, single submitter. Criteria: Ambry exome assertion method (8-5-2015). Collection method: clinical testing. Allele origin: germline. Affected: yes. Observed: 1 variant allele.

Literature cited by the submitters: PubMed 19336474 (cited by Ambry Genetics).

NM_001079668.3(NKX2-1):c.695C>T (p.Pro232Leu)

Genes: NKX2-1 (NK2 homeobox 1; minus strand), SFTA3 (surfactant associated 3; minus strand). Cytogenetic location: 14q13.3.
Variant type: single nucleotide variant.
Coding change: c.695C>T on transcript NM_001079668.3 (MANE Select); coding-DNA position 695, C replaced by T.
Protein change: p.Pro232Leu; replaces proline 232 with leucine.
Molecular consequence: missense variant.
Genome position (GRCh38, 1-based): chr14:36,517,789, G>A on the plus strand (C>T on the coding strand, the complement: NKX2-1 is on the minus strand). VCF-style: chr14-36517789-G-A. GRCh37 (hg19) VCF-style: chr14-36986994-G-A.
Other names: c.605C>T, p.Pro202Leu (NM_003317.4); short protein forms P202L, P232L.
Identifiers: ClinVar variation 985241 (VCV000985241.4), dbSNP rs1881107186, ClinGen allele CA389459252.